The following is an entry in ClinVar:

NM_001082971.2(DDC):c.61A>G (p.Met21Val)

Gene: DDC (dopa decarboxylase; minus strand). Cytogenetic location: 7p12.1.
Variant type: single nucleotide variant.
Coding change: c.61A>G on transcript NM_001082971.2 (MANE Select); coding-DNA position 61, A replaced by G.
Protein change: p.Met21Val; replaces methionine 21 with valine.
Molecular consequence: missense variant.
Genome position (GRCh38, 1-based): chr7:50,544,025, T>C on the plus strand (A>G on the coding strand, the complement: DDC is on the minus strand). VCF-style: chr7-50544025-T-C. GRCh37 (hg19) VCF-style: chr7-50611723-T-C.
Other names: c.61A>G, p.Met21Val (NM_000790.4, NM_001242886.2, NM_001242887.2 and 3 more transcripts); short protein forms M21V.
Identifiers: ClinVar variation 1397333 (VCV001397333.6), dbSNP rs951039438, ClinGen allele CA158234574.

ClinVar aggregate classification (germline): Uncertain significance (1 of 4 stars; one submission).

Conditions:
Deficiency of aromatic-L-amino-acid decarboxylase. Also called: Aromatic L-Amino Acid Decarboxylase Deficiency; AADC DEFICIENCY; DDC DEFICIENCY; DOPA DECARBOXYLASE DEFICIENCY; Aromatic amino acid decarboxylase deficiency. Identifiers: Orphanet 35708, MedGen C1291564, MONDO:0012084, OMIM 608643.

Allele frequency attached by ClinVar (database versions not stated): gnomAD exomes below 0.00001; TOPMed below 0.00001.
gnomAD v4.1: 4 of 1,614,132 alleles (0.00025%); highest among the groups gnomAD compares: South Asian, 0.0011%; no homozygotes.

Submission:

Labcorp Genetics (formerly Invitae), Labcorp
Classification: Uncertain significance for Deficiency of aromatic-L-amino-acid decarboxylase. Last evaluated: 2021-04-02. Review status: criteria provided, single submitter. Criteria: Invitae Variant Classification Sherloc (09022015). Collection method: clinical testing. Allele origin: germline.
Comment: Algorithms developed to predict the effect of missense changes on protein structure and function are either unavailable or do not agree on the potential impact of this missense change (SIFT: "Deleterious"; PolyPhen-2: "Benign"; Align-GVGD: "Class C0"). This variant has not been reported in the literature in individuals with DDC-related conditions. This variant is not present in population databases (ExAC no frequency). This sequence change replaces methionine with valine at codon 21 of the DDC protein (p.Met21Val). The methionine residue is weakly conserved and there is a small physicochemical difference between methionine and valine. In summary, the available evidence is currently insufficient to determine the role of this variant in disease. Therefore, it has been classified as a Variant of Uncertain Significance.